The following is an entry in ClinVar:

NM_006445.4(PRPF8):c.3150G>C (p.Leu1050Phe)

Gene: PRPF8 (pre-mRNA processing factor 8; minus strand). Cytogenetic location: 17p13.3.
Variant type: single nucleotide variant.
Coding change: c.3150G>C on transcript NM_006445.4 (MANE Select); coding-DNA position 3150, G replaced by C.
Protein change: p.Leu1050Phe; replaces leucine 1050 with phenylalanine.
Molecular consequence: missense variant.
Genome position (GRCh38, 1-based): chr17:1,674,591, C>G on the plus strand (G>C on the coding strand, the complement: PRPF8 is on the minus strand). VCF-style: chr17-1674591-C-G. GRCh37 (hg19) VCF-style: chr17-1577885-C-G.
Other names: short protein forms L1050F.
Identifiers: ClinVar variation 1302426 (VCV001302426.3), dbSNP rs2151126880, ClinGen allele CA397543182.

ClinVar aggregate classification (germline): Uncertain significance (1 of 4 stars; one submission).

Submission:

GeneDx
Classification: Uncertain significance. Last evaluated: 2025-11-04. Review status: criteria provided, single submitter. Criteria: GeneDx Variant Classification Process June 2021. Collection method: clinical testing. Allele origin: germline. Affected: yes.
Comment: Not observed at significant frequency in large population cohorts (gnomAD); In silico analysis supports that this missense variant has a deleterious effect on protein structure/function; Has not been previously published as pathogenic or benign to our knowledge